The following is an entry in ClinVar:

NM_002382.5(MAX):c.124A>G (p.Ser42Gly)

Genes: MAX (MYC associated transcriptional regulator X; minus strand), MAX-AS1 (MAX antisense RNA 1; plus strand). Cytogenetic location: 14q23.3.
Variant type: single nucleotide variant.
Coding change: c.124A>G on transcript NM_002382.5 (MANE Select); coding-DNA position 124, A replaced by G.
Protein change: p.Ser42Gly; replaces serine 42 with glycine.
Molecular consequence: missense variant. On other transcripts: 5 prime UTR variant (6), synonymous variant (1), non-coding transcript variant (12), intron variant (1).
Genome position (GRCh38, 1-based): chr14:65,093,755, T>C on the plus strand (A>G on the coding strand, the complement: MAX is on the minus strand). VCF-style: chr14-65093755-T-C. GRCh37 (hg19) VCF-style: chr14-65560473-T-C.
Other names: c.124A>G, p.Ser42Gly (NM_001407103.1, NM_001407104.1, NM_145113.3 and 5 more transcripts); c.-151A>G (NM_001407105.1, NM_001407106.1, NM_001407107.1 and 1 more transcripts); c.97A>G, p.Ser33Gly (NM_001407108.1, NM_001407109.1, NM_001407110.1 and 9 more transcripts); c.-244A>G (NM_001407111.1, NM_001407112.1); c.147A>G, p.Thr49= (NM_001407114.1); c.63+7791A>G (NM_001407098.1); short protein forms S42G, S33G.
Identifiers: ClinVar variation 4645835 (VCV004645835.1).
Genomic context (GRCh38, chr14:65,093,755, plus strand): 5'-TCAGGAAACTCACCTTCTCTCCTTGGAGTGATGGGACTGAGTCCCGCAAACTGTGAAAGC[T>C]GTCTTTGATGTGGTCCCTACGTTTTCGTTCCAGTGCATTATGATGAGCCCGTTTGTCAGC-3'
Protein context (NP_002373.3, residues 32-52): ERKRRDHIKD[Ser42Gly]FHSLRDSVPS

ClinVar aggregate classification (germline): Uncertain significance (1 of 4 stars; one submission).

Conditions:
Hereditary cancer-predisposing syndrome. Also called: Neoplastic Syndromes, Hereditary; Tumor predisposition; Hereditary Cancer Syndrome; Hereditary neoplastic syndrome. Identifiers: Orphanet 140162, MedGen C0027672, MeSH D009386, MONDO:0015356.

Submission:

Ambry Genetics
Classification: Uncertain significance for Hereditary cancer-predisposing syndrome. Last evaluated: 2025-12-07. Review status: criteria provided, single submitter. Criteria: Ambry Variant Classification Scheme 2023. Collection method: clinical testing. Allele origin: germline.
Comment: The p.S42G variant (also known as c.124A>G), located in coding exon 3 of the MAX gene, results from an A to G substitution at nucleotide position 124. The serine at codon 42 is replaced by glycine, an amino acid with similar properties. This amino acid position is conserved. In addition, the in silico prediction for this alteration is inconclusive. Based on the available evidence, the clinical significance of this variant remains unclear.